The following is an entry in ClinVar:

ClinVar aggregate classification (germline): Likely pathogenic (1 of 4 stars; one submission).

Conditions:
Developmental and epileptic encephalopathy, 62. Also called: Early infantile epileptic encephalopathy 62. Identifiers: MedGen C4693699, MONDO:0033371, OMIM 617938.

Allele frequency attached by ClinVar (database versions not stated): gnomAD exomes below 0.00001.
gnomAD v4.1: 2 of 1,614,084 alleles (0.00012%); highest among the groups gnomAD compares: Non-Finnish European, 0.00017%; no homozygotes.

Submissions (2):

Institute of Human Genetics, University of Leipzig Medical Center
Classification: Likely pathogenic for Developmental and epileptic encephalopathy, 62. Last evaluated: 2021-12-21. Review status: criteria provided, single submitter. Criteria: ACMG Guidelines, 2015. Collection method: research. Allele origin: de novo. Affected: yes.

Channelopathy-Associated Epilepsy Research Center
No classification provided (evidence only). Condition: Developmental and epileptic encephalopathy. Review status: no classification provided. Collection method: literature only. Allele origin: not applicable. Functional consequence: Severe decrease in peak current, Overall loss-of-function. Not counted in ClinVar's aggregate classification.
ClinVar note: "not provided" was previously submitted as the classification for the variant. However, the classification appeared to be based only on an observation of functional data so it was converted to no classification on 2025-07-30.

Literature cited by the submitters: PubMed 32515017 (cited by Institute of Human Genetics, University of Leipzig Medical Center and Channelopathy-Associated Epilepsy Research Center).

NM_006922.4(SCN3A):c.5006A>G (p.Tyr1669Cys)

Gene: SCN3A (sodium voltage-gated channel alpha subunit 3; minus strand). Cytogenetic location: 2q24.3.
Variant type: single nucleotide variant.
Coding change: c.5006A>G on transcript NM_006922.4 (MANE Select); coding-DNA position 5006, A replaced by G.
Protein change: p.Tyr1669Cys; replaces tyrosine 1669 with cysteine.
Molecular consequence: missense variant.
Genome position (GRCh38, 1-based): chr2:165,091,147, T>C on the plus strand (A>G on the coding strand, the complement: SCN3A is on the minus strand). VCF-style: chr2-165091147-T-C. GRCh37 (hg19) VCF-style: chr2-165947657-T-C.
Other names: c.4859A>G, p.Tyr1620Cys (NM_001081676.2, NM_001081677.2); short protein forms Y1620C, Y1669C.
Identifiers: ClinVar variation 1329937 (VCV001329937.3), dbSNP rs2105621335, ClinGen allele CA349017672.